The following is an entry in ClinVar:

NM_014712.3(SETD1A):c.1953A>G (p.Pro651=)

Gene: SETD1A (SET domain containing 1A, histone lysine methyltransferase; plus strand). Cytogenetic location: 16p11.2.
Variant type: single nucleotide variant.
Coding change: c.1953A>G on transcript NM_014712.3 (MANE Select); coding-DNA position 1953, A replaced by G.
Protein change: p.Pro651=; no amino-acid change (proline 651 retained).
Molecular consequence: synonymous variant.
Genome position (GRCh38, 1-based): chr16:30,965,834, A>G. VCF-style: chr16-30965834-A-G. GRCh37 (hg19) VCF-style: chr16-30977155-A-G.
Identifiers: ClinVar variation 2646433 (VCV002646433.24), dbSNP rs1423985497, ClinGen allele CA494918135.

ClinVar aggregate classification (germline): Likely benign (1 of 4 stars; one submission).

Allele frequency attached by ClinVar (database versions not stated): gnomAD exomes below 0.00001; gnomAD 0.00002.
gnomAD v4.1: 5 of 1,211,964 alleles (0.00041%); highest among the groups gnomAD compares: Middle Eastern, 0.022%; no homozygotes.

Submission:

CeGaT Center for Human Genetics Tuebingen
Classification: Likely benign. Last evaluated: 2023-01-01. Review status: criteria provided, single submitter. Criteria: CeGaT Center For Human Genetics Tuebingen Variant Classification Criteria Version 2. Collection method: clinical testing. Allele origin: germline. Affected: yes. Observed: 1 variant allele.
Comment: SETD1A: BP4, BP7